The following is an entry in ClinVar:

NM_001127671.2(LIFR):c.142+2T>A

Gene: LIFR (LIF receptor subunit alpha; minus strand). Cytogenetic location: 5p13.1.
Variant type: single nucleotide variant.
Coding change: c.142+2T>A on transcript NM_001127671.2 (MANE Select); the canonical splice donor site of the intron after coding-DNA position 142, T replaced by A.
Molecular consequence: splice donor variant.
Genome position (GRCh38, 1-based): chr5:38,530,504, A>T on the plus strand (T>A on the coding strand, the complement: LIFR is on the minus strand). VCF-style: chr5-38530504-A-T. GRCh37 (hg19) VCF-style: chr5-38530606-A-T.
Other names: c.142+2T>A (NM_002310.6, NM_001364298.2, NM_001364297.2).
Identifiers: ClinVar variation 2860001 (VCV002860001.3), dbSNP rs2531144916, ClinGen allele CA359616128.

ClinVar aggregate classification (germline): Likely pathogenic (1 of 4 stars; one submission).

Submission:

Labcorp Genetics (formerly Invitae), Labcorp
Classification: Likely pathogenic. Last evaluated: 2023-04-28. Review status: criteria provided, single submitter. Criteria: Invitae Variant Classification Sherloc (09022015). Collection method: clinical testing. Allele origin: germline.
Comment: In summary, the currently available evidence indicates that the variant is pathogenic, but additional data are needed to prove that conclusively. Therefore, this variant has been classified as Likely Pathogenic. Algorithms developed to predict the effect of sequence changes on RNA splicing suggest that this variant may disrupt the consensus splice site. This variant has not been reported in the literature in individuals affected with LIFR-related conditions. This variant is not present in population databases (gnomAD no frequency). This sequence change affects a donor splice site in intron 2 of the LIFR gene. It is expected to disrupt RNA splicing. Variants that disrupt the donor or acceptor splice site typically lead to a loss of protein function (PMID: 16199547), and loss-of-function variants in LIFR are known to be pathogenic (PMID: 14740318).

Literature cited by the submitters: PubMed 16199547; PubMed 14740318.